The following is an entry in ClinVar:

NM_016816.4(OAS1):c.844A>G (p.Ile282Val)

Gene: OAS1 (2'-5'-oligoadenylate synthetase 1; plus strand). Cytogenetic location: 12q24.13.
Variant type: single nucleotide variant.
Coding change: c.844A>G on transcript NM_016816.4 (MANE Select); coding-DNA position 844, A replaced by G.
Protein change: p.Ile282Val; replaces isoleucine 282 with valine.
Molecular consequence: missense variant. On other transcripts: non-coding transcript variant (9).
Genome position (GRCh38, 1-based): chr12:112,916,698, A>G. VCF-style: chr12-112916698-A-G. GRCh37 (hg19) VCF-style: chr12-113354503-A-G.
Other names: c.844A>G, p.Ile282Val (NM_001032409.3, NM_001320151.2, NM_001406022.1 and 2 more transcripts); c.820A>G, p.Ile274Val (NM_001406023.1, NM_001406024.1, NM_001406025.1 and 2 more transcripts); c.370A>G, p.Ile124Val (NM_001406026.1, NM_001406027.1, NM_001406029.1 and 1 more transcripts); short protein forms I282V, I274V, I124V.
Identifiers: ClinVar variation 2872992 (VCV002872992.3), dbSNP rs2043464651, ClinGen allele CA386806158.

ClinVar aggregate classification (germline): Uncertain significance (1 of 4 stars; one submission).

Allele frequency attached by ClinVar (database versions not stated): gnomAD exomes below 0.00001; gnomAD 0.00001; TOPMed 0.00002.
gnomAD v4.1: 4 of 1,614,028 alleles (0.00025%); highest among the groups gnomAD compares: Admixed American, 0.0017%; no homozygotes.

Submission:

Labcorp Genetics (formerly Invitae), Labcorp
Classification: Uncertain significance. Last evaluated: 2023-09-17. Review status: criteria provided, single submitter. Criteria: Invitae Variant Classification Sherloc (09022015). Collection method: clinical testing. Allele origin: germline.
Comment: Algorithms developed to predict the effect of missense changes on protein structure and function output the following: SIFT: "Not Available"; PolyPhen-2: "Benign"; Align-GVGD: "Not Available". The valine amino acid residue is found in multiple mammalian species, which suggests that this missense change does not adversely affect protein function. In summary, the available evidence is currently insufficient to determine the role of this variant in disease. Therefore, it has been classified as a Variant of Uncertain Significance. This variant has not been reported in the literature in individuals affected with OAS1-related conditions. This variant is not present in population databases (gnomAD no frequency). This sequence change replaces isoleucine, which is neutral and non-polar, with valine, which is neutral and non-polar, at codon 282 of the OAS1 protein (p.Ile282Val).